The following is an entry in ClinVar:

NM_201525.4(ADGRG1):c.1900del (p.Leu634fs)

Gene: ADGRG1 (adhesion G protein-coupled receptor G1; plus strand). Cytogenetic location: 16q21.
Variant type: Deletion.
Coding change: c.1900del on transcript NM_201525.4 (MANE Select); coding-DNA position 1900, one base deleted (C; older notation c.1900delC).
Protein change: p.Leu634fs; shifts the reading frame from leucine 634.
Molecular consequence: frameshift variant.
Genome position (GRCh38, 1-based): chr16:57,661,932, C deleted; the last of 2 consecutive C bases (chr16:57,661,931-57,661,932); deleting either gives the same sequence. VCF-style (leftmost placement, unchanged base first): chr16-57661930-TC-T. GRCh37 (hg19) VCF-style: chr16-57695842-TC-T.
Other names: c.1900del, p.Leu634fs (NM_001145770.3, NM_001145772.3, NM_001145774.3 and 7 more transcripts); c.1918del, p.Leu640fs (NM_001145771.3, NM_001370428.1, NM_001370429.1 and 4 more transcripts); c.1915del, p.Leu639fs (NM_001145773.3, NM_001370433.1, NM_001370434.1); c.1408del, p.Leu470fs (NM_001290142.2); c.1393del, p.Leu465fs (NM_001290143.2); c.1375del, p.Leu459fs (NM_001290144.2, NM_001370451.1, NM_001370453.1 and 1 more transcripts); c.1897del, p.Leu633fs (NM_001370441.1); c.1744del, p.Leu582fs (NM_001370442.1); short protein forms L582fs, L634fs, L639fs, L470fs, L633fs, L459fs, L465fs, L640fs.
Identifiers: ClinVar variation 1406793 (VCV001406793.6), dbSNP rs753241718, ClinGen allele CA8078885.
Genomic context (GRCh38, chr16:57,661,930, plus strand): 5'-TTGGCCTGCCCTGGGCCTTGATCTTCTTCTCCTTTGCTTCTGGCACCTTCCAGCTTGTCG[TC>T]CTCTACCTTTTCAGCATCATCACCTCCTTCCAAGGTAAGGAGAAGACCCGTCCCTTGGCC-3'

ClinVar aggregate classification (germline): Pathogenic (1 of 4 stars; one submission).

Submission:

Labcorp Genetics (formerly Invitae), Labcorp
Classification: Pathogenic. Last evaluated: 2023-10-28. Review status: criteria provided, single submitter. Criteria: Invitae Variant Classification Sherloc (09022015). Collection method: clinical testing. Allele origin: germline.
Comment: This sequence change creates a premature translational stop signal (p.Leu640Serfs*33) in the ADGRG1 gene. While this is not anticipated to result in nonsense mediated decay, it is expected to disrupt the last 54 amino acid(s) of the ADGRG1 protein. This variant is present in population databases (rs753241718, gnomAD 0.0009%). This variant has not been reported in the literature in individuals affected with ADGRG1-related conditions. ClinVar contains an entry for this variant (Variation ID: 1406793). This variant disrupts a region of the ADGRG1 protein in which other variant(s) (p.Trp657*) have been determined to be pathogenic (PMID: 28097321). This suggests that this is a clinically significant region of the protein, and that variants that disrupt it are likely to be disease-causing. For these reasons, this variant has been classified as Pathogenic.

Literature cited by the submitters: PubMed 28097321.